The following is an entry in ClinVar:

ClinVar aggregate classification (germline): Likely benign. Review status: criteria provided, single submitter (1 of 4 stars). 2 submissions from 2 submitters: Likely benign (1). 1 of the submissions does not count toward it. Last evaluated 2024-12-02.

Conditions:
MYH7-related disorder. Also called: MYH7-related condition; MYH7-related disease; MYH7-related disorders.
Hypertrophic cardiomyopathy. Also called: HYPERTROPHIC MYOCARDIOPATHY. Identifiers: Orphanet 217569, MedGen C0007194, MeSH D002312, MONDO:0005045, HP:0001639.

Submissions (2):

Labcorp Genetics (formerly Invitae), Labcorp
Classification: Likely benign for Hypertrophic cardiomyopathy. Last evaluated: 2024-12-02. Review status: criteria provided, single submitter. Criteria: Invitae Variant Classification Sherloc (09022015). Collection method: clinical testing. Allele origin: germline.

PreventionGenetics, part of Exact Sciences
Classification: Likely benign for MYH7-related condition. Last evaluated: 2019-12-12. Review status: no assertion criteria provided. Collection method: clinical testing. Allele origin: germline. Not counted in ClinVar's aggregate classification.
Comment: This variant is classified as likely benign based on ACMG/AMP sequence variant interpretation guidelines (Richards et al. 2015 PMID: 25741868, with internal and published modifications).

NM_000257.4(MYH7):c.5791-5A>G

Gene: MYH7 (myosin heavy chain 7; minus strand). Cytogenetic location: 14q11.2.
Variant type: single nucleotide variant.
Coding change: c.5791-5A>G on transcript NM_000257.4 (MANE Select); 5 bases into the intron before coding-DNA position 5791, A replaced by G.
Molecular consequence: intron variant.
Genome position (GRCh38, 1-based): chr14:23,412,876, T>C on the plus strand (A>G on the coding strand, the complement: MYH7 is on the minus strand). VCF-style: chr14-23412876-T-C. GRCh37 (hg19) VCF-style: chr14-23882085-T-C.
Other names: c.5791-5A>G (NM_001407004.1).
Identifiers: ClinVar variation 3048786 (VCV003048786.4), dbSNP rs764087252, ClinGen allele CA2537060093.